The following is an entry in ClinVar:

ClinVar aggregate classification (germline): Uncertain significance. Review status: criteria provided, multiple submitters, no conflicts (2 of 4 stars). 2 submissions from 2 submitters: Uncertain significance (2). Last evaluated 2026-03-12.

Conditions:
Hereditary cancer-predisposing syndrome. Also called: Hereditary neoplastic syndrome; Tumor predisposition; Neoplastic Syndromes, Hereditary; Hereditary Cancer Syndrome. Identifiers: Orphanet 140162, MedGen C0027672, MeSH D009386, MONDO:0015356.
POLD1-related polyposis and colorectal cancer syndrome (CRCS10). Also called: Colorectal cancer 10; COLORECTAL CANCER, SUSCEPTIBILITY TO, ON CHROMOSOME 19q; Colorectal cancer, susceptibility to, 10. Identifiers: Orphanet 220460, MedGen C2675481, MONDO:0012953, OMIM 612591.

Submissions (2):

Ambry Genetics
Classification: Uncertain significance for Hereditary cancer-predisposing syndrome. Last evaluated: 2026-03-12. Review status: criteria provided, single submitter. Criteria: Ambry Variant Classification Scheme 2023. Collection method: clinical testing. Allele origin: germline.
Comment: The p.W292R variant (also known as c.874T>C), located in coding exon 7 of the POLD1 gene, results from a T to C substitution at nucleotide position 874. The tryptophan at codon 292 is replaced by arginine, an amino acid with dissimilar properties. This amino acid position is conserved. In addition, the in silico prediction for this alteration is inconclusive. Based on the available evidence, the clinical significance of this variant remains unclear.

Labcorp Genetics (formerly Invitae), Labcorp
Classification: Uncertain significance for POLD1-related polyposis and colorectal cancer syndrome. Last evaluated: 2024-07-25. Review status: criteria provided, single submitter. Criteria: Invitae Variant Classification Sherloc (09022015). Collection method: clinical testing. Allele origin: germline.
Comment: This sequence change replaces tryptophan, which is neutral and slightly polar, with arginine, which is basic and polar, at codon 292 of the POLD1 protein (p.Trp292Arg). This variant is not present in population databases (gnomAD no frequency). This variant has not been reported in the literature in individuals affected with POLD1-related conditions. ClinVar contains an entry for this variant (Variation ID: 942762). Advanced modeling of protein sequence and biophysical properties (such as structural, functional, and spatial information, amino acid conservation, physicochemical variation, residue mobility, and thermodynamic stability) has been performed at Invitae for this missense variant, however the output from this modeling did not meet the statistical confidence thresholds required to predict the impact of this variant on POLD1 protein function. In summary, the available evidence is currently insufficient to determine the role of this variant in disease. Therefore, it has been classified as a Variant of Uncertain Significance.

NM_002691.4(POLD1):c.874T>C (p.Trp292Arg)

Gene: POLD1 (DNA polymerase delta 1, catalytic subunit; plus strand). Cytogenetic location: 19q13.33.
Variant type: single nucleotide variant.
Coding change: c.874T>C on transcript NM_002691.4 (MANE Select); coding-DNA position 874, T replaced by C.
Protein change: p.Trp292Arg; replaces tryptophan 292 with arginine.
Molecular consequence: missense variant. On other transcripts: non-coding transcript variant (1).
Genome position (GRCh38, 1-based): chr19:50,402,645, T>C. VCF-style: chr19-50402645-T-C. GRCh37 (hg19) VCF-style: chr19-50905902-T-C.
Other names: c.874T>C, p.Trp292Arg (NM_001256849.1, NM_001308632.1); c.874T>C (NM_002691.2); short protein forms W292R.
Identifiers: ClinVar variation 942762 (VCV000942762.10), dbSNP rs2038698709, ClinGen allele CA406976805.